The following is an entry in ClinVar:

NM_020066.5(FMN2):c.3417C>A (p.Gly1139=)

Gene: FMN2 (formin 2; plus strand). Cytogenetic location: 1q43.
Variant type: single nucleotide variant.
Coding change: c.3417C>A on transcript NM_020066.5 (MANE Select); coding-DNA position 3417, C replaced by A.
Protein change: p.Gly1139=; no amino-acid change (glycine 1139 retained).
Molecular consequence: synonymous variant. On other transcripts: intron variant (1).
Genome position (GRCh38, 1-based): chr1:240,208,229, C>A. VCF-style: chr1-240208229-C-A. GRCh37 (hg19) VCF-style: chr1-240371529-C-A.
Other names: c.3429C>A, p.Gly1143= (NM_001305424.2); c.1986+19967C>A (NM_001348094.2).
Identifiers: ClinVar variation 3239097 (VCV003239097.19), dbSNP rs75688931.
Genomic context (GRCh38, chr1:240,208,229, plus strand): 5'-CCCTCCTCCCCCTCTACCCGGAGCGGGCATACCCCCTCCTCCCCCTCTTCCCGGAGCGGG[C>A]ATACCTCCTCCACCCCCTCTACCCAGAGTGGGCATACCCCCTCCGCCCCCACTTCCCGGA-3'
Protein context (NP_064450.3, residues 1129-1149): IPPPPPLPGA[Gly1139=]IPPPPPLPRV

ClinVar aggregate classification (germline): Likely benign (1 of 4 stars; one submission).

Allele frequency attached by ClinVar (database versions not stated): ExAC 0.00018; gnomAD 0.00022.

Submission:

CeGaT Center for Human Genetics Tuebingen
Classification: Likely benign. Last evaluated: 2026-02-01. Review status: criteria provided, single submitter. Criteria: CeGaT Center For Human Genetics Tuebingen Variant Classification Criteria Version 2. Collection method: clinical testing. Allele origin: germline. Affected: yes. Observed: 2 variant alleles.
Comment: FMN2: BP4, BP7